The following is an entry in ClinVar:

ClinVar aggregate classification (germline): Uncertain significance (1 of 4 stars; one submission).

Submission:

Labcorp Genetics (formerly Invitae), Labcorp
Classification: Uncertain significance. Last evaluated: 2024-06-26. Review status: criteria provided, single submitter. Criteria: Invitae Variant Classification Sherloc (09022015). Collection method: clinical testing. Allele origin: germline.
Comment: This sequence change replaces histidine, which is basic and polar, with tyrosine, which is neutral and polar, at codon 2143 of the NSD1 protein (p.His2143Tyr). This variant is not present in population databases (gnomAD no frequency). This missense change has been observed in individual(s) with clinical features of Sotos syndrome (PMID: 15942875; Invitae). Advanced modeling of protein sequence and biophysical properties (such as structural, functional, and spatial information, amino acid conservation, physicochemical variation, residue mobility, and thermodynamic stability) performed at Invitae indicates that this missense variant is expected to disrupt NSD1 protein function with a positive predictive value of 95%. In summary, the available evidence is currently insufficient to determine the role of this variant in disease. Therefore, it has been classified as a Variant of Uncertain Significance.

Literature cited by the submitters: PubMed 15942875.

NM_022455.5(NSD1):c.6427C>T (p.His2143Tyr)

Gene: NSD1 (nuclear receptor binding SET domain protein 1; plus strand). Cytogenetic location: 5q35.3.
Variant type: single nucleotide variant.
Coding change: c.6427C>T on transcript NM_022455.5 (MANE Select); coding-DNA position 6427, C replaced by T.
Protein change: p.His2143Tyr; replaces histidine 2143 with tyrosine.
Molecular consequence: missense variant.
Genome position (GRCh38, 1-based): chr5:177,292,122, C>T. VCF-style: chr5-177292122-C-T. GRCh37 (hg19) VCF-style: chr5-176719123-C-T.
Other names: c.5554C>T, p.His1852Tyr (NM_001365684.2, NM_001409308.1, NM_172349.5); c.6427C>T, p.His2143Tyr (NM_001409301.1, NM_001409302.1, NM_001409303.1); c.6007C>T, p.His2003Tyr (NM_001409304.1); c.5674C>T, p.His1892Tyr (NM_001409305.1); c.5665C>T, p.His1889Tyr (NM_001409306.1, NM_001409307.1); c.5305C>T, p.His1769Tyr (NM_001409309.1); short protein forms H1852Y, H2003Y, H2143Y, H1892Y, H1769Y, H1889Y.
Identifiers: ClinVar variation 3720672 (VCV003720672.2).